The following is an entry in ClinVar:

ClinVar aggregate classification (germline): Conflicting classifications of pathogenicity. Review status: criteria provided, conflicting classifications (1 of 4 stars). 11 submissions from 10 submitters: Uncertain significance (1); Benign (6); Likely benign (4). Last evaluated 2026-09-21.

Conditions:
Familial hypercholesterolemia. Also called: Familial hypercholesterolemias; Familial hypercholesterolaemia. Identifiers: MedGen C0020445, MONDO:0005439.
Cardiovascular phenotype. Identifiers: MedGen CN230736.
Hypercholesterolemia, autosomal dominant, type B (FHCL2). Also called: Hyperlipoproteinemia Type IIb; Familial hypercholesterolemia 2; APOB-Related Familial Hypercholesterolemia, Autosomal Dominant; HYPERCHOLESTEROLEMIA, FAMILIAL, DUE TO LIGAND-DEFECTIVE APOLIPOPROTEIN B; Familial Hypercholesterolemia Type B; APOLIPOPROTEIN B-100, FAMILIAL DEFECTIVE. Identifiers: MedGen C1704417, MONDO:0007751, OMIM 144010.
Familial hypobetalipoproteinemia 1. Also called: APOB-Related Familial Hypobetalipoproteinemia; Hypobetalipoproteinemia, normotriglyceridemic; Acanthocytosis with hypobetalipoproteinemia. Identifiers: MedGen C4551990, MONDO:0014252, OMIM 615558.

Allele frequency attached by ClinVar (database versions not stated): TOPMed 0.00022; gnomAD 0.00064 and 0.00020; ESP Exome Variant Server 0.00008; gnomAD exomes 0.00095 and 0.00172; ExAC 0.00186; 1000 Genomes Project 30x 0.00297; 1000 Genomes Project 0.00300.
gnomAD v4.1: 1,475 of 1,614,216 alleles (0.091%); highest among the groups gnomAD compares: South Asian, 1.2%; 27 homozygotes.

Submissions (11):

Molecular Diagnostic Laboratory for Inherited Cardiovascular Disease, Montreal Heart Institute
Classification: Benign. Last evaluated: 2026-09-21. Review status: criteria provided, single submitter. Criteria: ACMG Guidelines, 2015. Collection method: clinical testing. Allele origin: germline. Affected: no.

CeGaT Center for Human Genetics Tuebingen
Classification: Benign. Last evaluated: 2026-07-01. Review status: criteria provided, single submitter. Criteria: CeGaT Center For Human Genetics Tuebingen Variant Classification Criteria Version 2. Collection method: clinical testing. Allele origin: germline. Affected: yes. Observed: 9 variant alleles.
Comment: APOB: BP4, BP7, BS1, BS2

Labcorp Genetics (formerly Invitae), Labcorp
Classification: Benign for Familial hypobetalipoproteinemia 1; Hypercholesterolemia, autosomal dominant, type B. Last evaluated: 2026-02-04. Review status: criteria provided, single submitter. Criteria: Invitae Variant Classification Sherloc (09022015). Collection method: clinical testing. Allele origin: germline.

Mayo Clinic Laboratories, Mayo Clinic
Classification: Likely benign. Last evaluated: 2025-03-18. Review status: criteria provided, single submitter. Criteria: ACMG Guidelines, 2015. Collection method: clinical testing. Allele origin: germline. Observed: 2 variant alleles.
Comment: BS1, BP4, BP7

Blueprint Genetics
Classification: Benign. Last evaluated: 2024-11-26. Review status: criteria provided, single submitter. Criteria: ACMG Guidelines, 2015. Collection method: clinical testing. Allele origin: germline.

GENinCode PLC
Classification: Likely benign for Familial hypercholesterolemia. Last evaluated: 2023-11-29. Review status: criteria provided, single submitter. Criteria: ACMG Guidelines, 2015. Collection method: clinical testing. Allele origin: germline.
Comment: This is a synonymous (silent) variant that is not predicted by SpliceAI to impact splicing. In addition, it occurs at a nucleotide that is not conserved and has a PopMax FAF which is greater than expected for this disorder. Therefore this variant has been classified as Likely Benign (BS1, BP4, BP7).

GeneDx
Classification: Benign. Last evaluated: 2019-07-03. Review status: criteria provided, single submitter. Criteria: GeneDx Variant Classification Process June 2021. Collection method: clinical testing. Allele origin: germline. Affected: yes.

Quest Diagnostics Nichols Institute San Juan Capistrano
Classification: Benign. Last evaluated: 2019-06-03. Review status: criteria provided, single submitter. Criteria: Quest Diagnostics criteria. Collection method: clinical testing. Allele origin: germline.

Ambry Genetics
Classification: Likely benign for Cardiovascular phenotype. Last evaluated: 2019-06-01. Review status: criteria provided, single submitter. Criteria: Ambry Variant Classification Scheme 2023. Collection method: clinical testing. Allele origin: germline.

Illumina Laboratory Services, Illumina
Classification: Likely benign for Hypercholesterolemia, autosomal dominant, type B. Last evaluated: 2018-01-12. Review status: criteria provided, single submitter. Criteria: ICSL Variant Classification Criteria 13 December 2019. Collection method: clinical testing. Allele origin: germline.
Comment: This variant was observed in the ICSL laboratory as part of a predisposition screen in an ostensibly healthy population. It had not been previously curated by ICSL or reported in the Human Gene Mutation Database (HGMD: prior to June 1st, 2018), and was therefore a candidate for classification through an automated scoring system. Utilizing variant allele frequency, disease prevalence and penetrance estimates, and inheritance mode, an automated score was calculated to assess if this variant is too frequent to cause the disease. Based on the score and internal cut-off values, a variant classified as likely benign is not then subjected to further curation. The score for this variant resulted in a classification of likely benign for this disease.

Illumina Laboratory Services, Illumina
Classification: Uncertain significance for Familial hypobetalipoproteinemia 1. Last evaluated: 2018-01-12. Review status: criteria provided, single submitter. Criteria: ICSL Variant Classification Criteria 13 December 2019. Collection method: clinical testing. Allele origin: germline.

NM_000384.3(APOB):c.4449A>G (p.Glu1483=)

Gene: APOB (apolipoprotein B; minus strand). Cytogenetic location: 2p24.1.
Variant type: single nucleotide variant.
Coding change: c.4449A>G on transcript NM_000384.3 (MANE Select); coding-DNA position 4449, A replaced by G.
Protein change: p.Glu1483=; no amino-acid change (glutamic acid 1483 retained).
Molecular consequence: synonymous variant.
Genome position (GRCh38, 1-based): chr2:21,012,419, T>C on the plus strand (A>G on the coding strand, the complement: APOB is on the minus strand). VCF-style: chr2-21012419-T-C. GRCh37 (hg19) VCF-style: chr2-21235291-T-C.
Other names: p.Glu1483=.
Identifiers: ClinVar variation 334142 (VCV000334142.56), dbSNP rs151018874, ClinGen allele CA061009.